The following is an entry in ClinVar:

ClinVar aggregate classification (germline): Likely benign. Review status: criteria provided, multiple submitters, no conflicts (2 of 4 stars). 3 submissions from 3 submitters: Likely benign (2). 1 of the submissions does not count toward it. Last evaluated 2025-12-22.

Conditions:
ADAR-related disorder. Also called: ADAR-related condition; ADAR-related disorders.
Symmetrical dyschromatosis of extremities (DSH). Also called: RETICULATE ACROPIGMENTATION OF DOHI; SYMMETRIC DYSCHROMATOSIS OF THE EXTREMITIES; Dyschromatosis symmetrica hereditaria; DYSCHROMATOSIS SYMMETRICA HEREDITARIA 1. Identifiers: Orphanet 41, MedGen C0406775, MONDO:0007483, OMIM 127400.
Aicardi-Goutieres syndrome 6 (AGS6). Identifiers: Orphanet 51, MedGen C3539013, MONDO:0014007, OMIM 615010.

Allele frequency attached by ClinVar (database versions not stated): gnomAD exomes 0.00004 and 0.00009; ExAC 0.00009; gnomAD 0.00011; TOPMed 0.00011.
gnomAD v4.1: 83 of 1,614,054 alleles (0.0051%); highest among the groups gnomAD compares: Middle Eastern, 0.033%; no homozygotes.

Submissions (3):

Labcorp Genetics (formerly Invitae), Labcorp
Classification: Likely benign for Aicardi-Goutieres syndrome 6; Symmetrical dyschromatosis of extremities. Last evaluated: 2025-12-22. Review status: criteria provided, single submitter. Criteria: Invitae Variant Classification Sherloc (09022015). Collection method: clinical testing. Allele origin: germline.

Blueprint Genetics
Classification: Likely benign. Last evaluated: 2023-07-13. Review status: criteria provided, single submitter. Criteria: ACMG Guidelines, 2015. Collection method: clinical testing. Allele origin: germline.

PreventionGenetics, part of Exact Sciences
Classification: Likely benign for ADAR-related condition. Last evaluated: 2019-05-01. Review status: no assertion criteria provided. Collection method: clinical testing. Allele origin: germline. Not counted in ClinVar's aggregate classification.
Comment: This variant is classified as likely benign based on ACMG/AMP sequence variant interpretation guidelines (Richards et al. 2015 PMID: 25741868, with internal and published modifications).

NM_001111.5(ADAR):c.2952A>G (p.Thr984=)

Gene: ADAR (adenosine deaminase RNA specific; minus strand). Cytogenetic location: 1q21.3.
Variant type: single nucleotide variant.
Coding change: c.2952A>G on transcript NM_001111.5 (MANE Select); coding-DNA position 2952, A replaced by G.
Protein change: p.Thr984=; no amino-acid change (threonine 984 retained).
Molecular consequence: synonymous variant.
Genome position (GRCh38, 1-based): chr1:154,588,192, T>C on the plus strand (A>G on the coding strand, the complement: ADAR is on the minus strand). VCF-style: chr1-154588192-T-C. GRCh37 (hg19) VCF-style: chr1-154560668-T-C.
Other names: c.2067A>G, p.Thr689= (NM_001025107.3, NM_001193495.2, NM_001365046.1 and 2 more transcripts); c.2979A>G, p.Thr993= (NM_001365045.1); c.1989A>G, p.Thr663= (NM_001365049.1); c.2874A>G, p.Thr958= (NM_015840.4); c.2817A>G, p.Thr939= (NM_015841.4).
Identifiers: ClinVar variation 703956 (VCV000703956.11), dbSNP rs765649485, ClinGen allele CA1131097.